The following is an entry in ClinVar:

ClinVar aggregate classification (germline): Uncertain significance (1 of 4 stars; one submission).

Allele frequency attached by ClinVar (database versions not stated): gnomAD exomes below 0.00001; gnomAD 0.00002; TOPMed 0.00002; ExAC 0.00003.
gnomAD v4.1: 9 of 1,613,820 alleles (0.00056%); highest among the groups gnomAD compares: African/African-American, 0.0067%; no homozygotes.

Submission:

Athena Diagnostics
Classification: Uncertain significance. Last evaluated: 2022-11-16. Review status: criteria provided, single submitter. Criteria: Athena Diagnostics Criteria. Collection method: clinical testing. Allele origin: unknown.
Comment: Available data are insufficient to determine the clinical significance of the variant at this time. The frequency of this variant in the general population is higher than would generally be expected for pathogenic variants in this gene. Greater than 90% of NOTCH3 pathogenic variants associated with CADASIL involve the gain or loss of a cysteine residue within the epidermal growth factor (EGF)-like repeat domain (PMID: 32457593, 20301673).

NM_000435.3(NOTCH3):c.3472G>A (p.Glu1158Lys)

Gene: NOTCH3 (notch receptor 3; minus strand). Cytogenetic location: 19p13.12.
Variant type: single nucleotide variant.
Coding change: c.3472G>A on transcript NM_000435.3 (MANE Select); coding-DNA position 3472, G replaced by A.
Protein change: p.Glu1158Lys; replaces glutamic acid 1158 with lysine.
Molecular consequence: missense variant.
Genome position (GRCh38, 1-based): chr19:15,179,271, C>T on the plus strand (G>A on the coding strand, the complement: NOTCH3 is on the minus strand). VCF-style: chr19-15179271-C-T. GRCh37 (hg19) VCF-style: chr19-15290082-C-T.
Other names: short protein forms E1158K.
Identifiers: ClinVar variation 2684136 (VCV002684136.1), dbSNP rs769083544, ClinGen allele CA9263069.